The following is an entry in ClinVar:

NM_017763.6(RNF43):c.766C>T (p.Arg256Trp)

Gene: RNF43 (ring finger protein 43; minus strand). Cytogenetic location: 17q22.
Variant type: single nucleotide variant.
Coding change: c.766C>T on transcript NM_017763.6 (MANE Select); coding-DNA position 766, C replaced by T.
Protein change: p.Arg256Trp; replaces arginine 256 with tryptophan.
Molecular consequence: missense variant.
Genome position (GRCh38, 1-based): chr17:58,360,866, G>A on the plus strand (C>T on the coding strand, the complement: RNF43 is on the minus strand). VCF-style: chr17-58360866-G-A. GRCh37 (hg19) VCF-style: chr17-56438227-G-A.
Other names: c.766C>T, p.Arg256Trp (NM_001305544.3); c.385C>T, p.Arg129Trp (NM_001305545.2); short protein forms R129W, R256W.
Identifiers: ClinVar variation 1000919 (VCV001000919.12), dbSNP rs777854983, ClinGen allele CA8673310.

ClinVar aggregate classification (germline): Conflicting classifications of pathogenicity. Review status: criteria provided, conflicting classifications (1 of 4 stars). 3 submissions from 3 submitters: Uncertain significance (2); Likely benign (1). Last evaluated 2026-07-21.

Conditions:
Sessile serrated polyposis cancer syndrome (SSPCS). Identifiers: Orphanet 157798, MedGen C4310714, MONDO:0014919, OMIM 617108.

Allele frequency attached by ClinVar (database versions not stated): gnomAD 0.00001; ExAC 0.00007; gnomAD exomes 0.00001 and 0.00006; TOPMed 0.00001.
gnomAD v4.1: 19 of 1,612,348 alleles (0.0012%); highest among the groups gnomAD compares: East Asian, 0.027%; no homozygotes.

Submissions (3):

Ambry Genetics
Classification: Likely benign. Last evaluated: 2026-07-21. Review status: criteria provided, single submitter. Criteria: Ambry Variant Classification Scheme 2023. Collection method: clinical testing. Allele origin: germline.

Labcorp Genetics (formerly Invitae), Labcorp
Classification: Uncertain significance. Last evaluated: 2024-11-04. Review status: criteria provided, single submitter. Criteria: Invitae Variant Classification Sherloc (09022015). Collection method: clinical testing. Allele origin: germline.
Comment: This sequence change replaces arginine, which is basic and polar, with tryptophan, which is neutral and slightly polar, at codon 256 of the RNF43 protein (p.Arg256Trp). This variant is present in population databases (rs777854983, gnomAD 0.06%), and has an allele count higher than expected for a pathogenic variant. This variant has not been reported in the literature in individuals affected with RNF43-related conditions. ClinVar contains an entry for this variant (Variation ID: 1000919). An algorithm developed to predict the effect of missense changes on protein structure and function (PolyPhen-2) suggests that this variant is likely to be tolerated. In summary, the available evidence is currently insufficient to determine the role of this variant in disease. Therefore, it has been classified as a Variant of Uncertain Significance.

Baylor Genetics
Classification: Uncertain significance for Sessile serrated polyposis cancer syndrome. Last evaluated: 2024-03-06. Review status: criteria provided, single submitter. Criteria: ACMG Guidelines, 2015. Collection method: clinical testing. Allele origin: unknown.